The following is an entry in ClinVar:

ClinVar aggregate classification (germline): Uncertain significance (1 of 4 stars; one submission).

gnomAD v4.1: 2 of 1,598,222 alleles (0.00013%); highest among the groups gnomAD compares: Non-Finnish European, 0.00017%; no homozygotes.

Submission:

Labcorp Genetics (formerly Invitae), Labcorp
Classification: Uncertain significance. Last evaluated: 2023-08-17. Review status: criteria provided, single submitter. Criteria: Invitae Variant Classification Sherloc (09022015). Collection method: clinical testing. Allele origin: germline.
Comment: ClinVar contains an entry for this variant (Variation ID: 1935150). Advanced modeling of protein sequence and biophysical properties (such as structural, functional, and spatial information, amino acid conservation, physicochemical variation, residue mobility, and thermodynamic stability) performed at Invitae indicates that this missense variant is not expected to disrupt TBXA2R protein function. In summary, the available evidence is currently insufficient to determine the role of this variant in disease. Therefore, it has been classified as a Variant of Uncertain Significance. This variant has not been reported in the literature in individuals affected with TBXA2R-related conditions. This sequence change replaces threonine, which is neutral and polar, with isoleucine, which is neutral and non-polar, at codon 152 of the TBXA2R protein (p.Thr152Ile). This variant is not present in population databases (gnomAD no frequency).

NM_001060.6(TBXA2R):c.455C>T (p.Thr152Ile)

Gene: TBXA2R (thromboxane A2 receptor; minus strand). Cytogenetic location: 19p13.3.
Variant type: single nucleotide variant.
Coding change: c.455C>T on transcript NM_001060.6 (MANE Select); coding-DNA position 455, C replaced by T.
Protein change: p.Thr152Ile; replaces threonine 152 with isoleucine.
Molecular consequence: missense variant.
Genome position (GRCh38, 1-based): chr19:3,600,180, G>A on the plus strand (C>T on the coding strand, the complement: TBXA2R is on the minus strand). VCF-style: chr19-3600180-G-A. GRCh37 (hg19) VCF-style: chr19-3600178-G-A.
Other names: c.455C>T, p.Thr152Ile (NM_201636.3); short protein forms T152I.
Identifiers: ClinVar variation 1935150 (VCV001935150.5), dbSNP rs2512443326, ClinGen allele CA403334291.
Genomic context (GRCh38, chr19:3,600,180, plus strand): 5'-CCCACGCCCAGCAGGGGCAGCAGGCCCAGCGCCAGCGCGGCCGCCCACACCAGCCCCACG[G>A]TGGCCCAGGCGCGGCGCTGCGAGGCGACCGCCGGGCGCGAGAAGGGCCGGGTGATACCCA-3'
Protein context (NP_001051.1, residues 142-162): AVASQRRAWA[Thr152Ile]VGLVWAAALA